The following is an entry in ClinVar:

NM_000742.4(CHRNA2):c.1175C>G (p.Pro392Arg)

Gene: CHRNA2 (cholinergic receptor nicotinic alpha 2 subunit; minus strand). Cytogenetic location: 8p21.2.
Variant type: single nucleotide variant.
Coding change: c.1175C>G on transcript NM_000742.4 (MANE Select); coding-DNA position 1175, C replaced by G.
Protein change: p.Pro392Arg; replaces proline 392 with arginine.
Molecular consequence: missense variant.
Genome position (GRCh38, 1-based): chr8:27,463,268, G>C on the plus strand (C>G on the coding strand, the complement: CHRNA2 is on the minus strand). VCF-style: chr8-27463268-G-C. GRCh37 (hg19) VCF-style: chr8-27320785-G-C.
Other names: c.1130C>G, p.Pro377Arg (NM_001282455.2); c.698C>G, p.Pro233Arg (NM_001347705.2, NM_001347706.2); c.581C>G, p.Pro194Arg (NM_001347707.2, NM_001347708.2); short protein forms P233R, P392R, P194R, P377R.
Identifiers: ClinVar variation 1957882 (VCV001957882.5), dbSNP rs542738759, ClinGen allele CA174241469.

ClinVar aggregate classification (germline): Uncertain significance (1 of 4 stars; one submission).

Conditions:
Familial sleep-related hypermotor epilepsy. Also called: Autosomal Dominant Sleep-Related Hypermotor (Hyperkinetic) Epilepsy. Identifiers: Orphanet 98784, MedGen C3696898, MONDO:0000030.

Allele frequency attached by ClinVar (database versions not stated): gnomAD 0.00001; gnomAD exomes below 0.00001.
gnomAD v4.1: 3 of 1,606,290 alleles (0.00019%); highest among the groups gnomAD compares: East Asian, 0.0022%; no homozygotes.

Submission:

Labcorp Genetics (formerly Invitae), Labcorp
Classification: Uncertain significance. Last evaluated: 2025-03-12. Review status: criteria provided, single submitter. Criteria: Invitae Variant Classification Sherloc (09022015). Collection method: clinical testing. Allele origin: germline.
Comment: This sequence change replaces proline, which is neutral and non-polar, with arginine, which is basic and polar, at codon 392 of the CHRNA2 protein (p.Pro392Arg). This variant is not present in population databases (gnomAD no frequency). This variant has not been reported in the literature in individuals affected with CHRNA2-related conditions. ClinVar contains an entry for this variant (Variation ID: 1957882). Invitae Evidence Modeling of protein sequence and biophysical properties (such as structural, functional, and spatial information, amino acid conservation, physicochemical variation, residue mobility, and thermodynamic stability) indicates that this missense variant is not expected to disrupt CHRNA2 protein function with a negative predictive value of 95%. In summary, the available evidence is currently insufficient to determine the role of this variant in disease. Therefore, it has been classified as a Variant of Uncertain Significance.